The following is an entry in ClinVar:

NM_001372.4(DNAH9):c.261G>A (p.Leu87=)

Gene: DNAH9 (dynein axonemal heavy chain 9; plus strand). Cytogenetic location: 17p12.
Variant type: single nucleotide variant.
Coding change: c.261G>A on transcript NM_001372.4 (MANE Select); coding-DNA position 261, G replaced by A.
Protein change: p.Leu87=; no amino-acid change (leucine 87 retained).
Molecular consequence: synonymous variant.
Genome position (GRCh38, 1-based): chr17:11,598,759, G>A. VCF-style: chr17-11598759-G-A. GRCh37 (hg19) VCF-style: chr17-11502076-G-A.
Other names: c.261G>A (NM_001372.3).
Identifiers: ClinVar variation 1540786 (VCV001540786.12), dbSNP rs11867625, ClinGen allele CA8394471.

ClinVar aggregate classification (germline): Benign/Likely benign. Review status: criteria provided, multiple submitters, no conflicts (2 of 4 stars). 4 submissions from 4 submitters: Benign (2); Likely benign (1). 1 of the submissions does not count toward it. Last evaluated 2026-02-01.

Conditions:
DNAH9-related disorder. Also called: DNAH9-related condition.

Allele frequency attached by ClinVar (database versions not stated): gnomAD exomes 0.00065 and 0.00079; ESP Exome Variant Server 0.00436; ExAC 0.00501; gnomAD 0.00834 and 0.00883; TOPMed 0.00901; 1000 Genomes Project 30x 0.00937; 1000 Genomes Project 0.00958.
gnomAD v4.1: 2,165 of 1,439,164 alleles (0.15%); highest among the groups gnomAD compares: African/African-American, 2.9%; 38 homozygotes.

Submissions (4):

Labcorp Genetics (formerly Invitae), Labcorp
Classification: Benign. Last evaluated: 2026-02-01. Review status: criteria provided, single submitter. Criteria: Invitae Variant Classification Sherloc (09022015). Collection method: clinical testing. Allele origin: germline.

Blueprint Genetics
Classification: Likely benign. Last evaluated: 2024-11-27. Review status: criteria provided, single submitter. Criteria: ACMG Guidelines, 2015. Collection method: clinical testing. Allele origin: germline.

Breakthrough Genomics
Classification: Benign. Review status: criteria provided, single submitter. Criteria: ACMG Guidelines, 2015. Collection method: not provided. Allele origin: germline. Inheritance: Autosomal recessive inheritance. Affected: yes.

PreventionGenetics, part of Exact Sciences
Classification: Benign for DNAH9-related condition. Last evaluated: 2019-06-07. Review status: no assertion criteria provided. Collection method: clinical testing. Allele origin: germline. Not counted in ClinVar's aggregate classification.
Comment: This variant is classified as benign based on ACMG/AMP sequence variant interpretation guidelines (Richards et al. 2015 PMID: 25741868, with internal and published modifications).